The following is an entry in ClinVar:

NM_025233.7(COASY):c.986A>G (p.Asp329Gly)

Gene: COASY (Coenzyme A synthase; plus strand). Cytogenetic location: 17q21.2.
Variant type: single nucleotide variant.
Coding change: c.986A>G on transcript NM_025233.7 (MANE Select); coding-DNA position 986, A replaced by G.
Protein change: p.Asp329Gly; replaces aspartic acid 329 with glycine.
Molecular consequence: missense variant.
Genome position (GRCh38, 1-based): chr17:42,564,516, A>G. VCF-style: chr17-42564516-A-G. GRCh37 (hg19) VCF-style: chr17-40716534-A-G.
Other names: c.986A>G, p.Asp329Gly (NM_001042529.3); c.1073A>G, p.Asp358Gly (NM_001042532.4); c.1073A>G (NM_001042532.2); short protein forms D358G, D329G.
Identifiers: ClinVar variation 2080835 (VCV002080835.5), dbSNP rs199842317, ClinGen allele CA8578162.

ClinVar aggregate classification (germline): Uncertain significance. Review status: criteria provided, multiple submitters, no conflicts (2 of 4 stars). 2 submissions from 2 submitters: Uncertain significance (2). Last evaluated 2025-06-06.

Conditions:
Neurodegeneration with brain iron accumulation 6 (NBIA6). Also called: COASY protein-associated neurodegeneration. Identifiers: Orphanet 397725, MedGen C4517377, MONDO:0014290, OMIM 615643.

Allele frequency attached by ClinVar (database versions not stated): gnomAD 0.00003; TOPMed 0.00006; ExAC 0.00002; 1000 Genomes Project 30x 0.00031; 1000 Genomes Project 0.00020.
gnomAD v4.1: 6 of 1,613,340 alleles (0.00037%); highest among the groups gnomAD compares: African/African-American, 0.008%; no homozygotes.

Submissions (2):

Ambry Genetics
Classification: Uncertain significance. Last evaluated: 2025-06-06. Review status: criteria provided, single submitter. Criteria: Ambry Variant Classification Scheme 2023. Collection method: clinical testing. Allele origin: germline.

Labcorp Genetics (formerly Invitae), Labcorp
Classification: Uncertain significance for Neurodegeneration with brain iron accumulation 6. Last evaluated: 2024-06-12. Review status: criteria provided, single submitter. Criteria: Invitae Variant Classification Sherloc (09022015). Collection method: clinical testing. Allele origin: germline.
Comment: This sequence change replaces aspartic acid, which is acidic and polar, with glycine, which is neutral and non-polar, at codon 329 of the COASY protein (p.Asp329Gly). This variant is present in population databases (rs199842317, gnomAD 0.01%). This variant has not been reported in the literature in individuals affected with COASY-related conditions. ClinVar contains an entry for this variant (Variation ID: 2080835). Advanced modeling of protein sequence and biophysical properties (such as structural, functional, and spatial information, amino acid conservation, physicochemical variation, residue mobility, and thermodynamic stability) performed at Invitae indicates that this missense variant is not expected to disrupt COASY protein function with a negative predictive value of 80%. In summary, the available evidence is currently insufficient to determine the role of this variant in disease. Therefore, it has been classified as a Variant of Uncertain Significance.